The following is an entry in ClinVar:

NM_000038.6(APC):c.3556_3557del (p.Asp1186fs)

Gene: APC (APC regulator of Wnt signaling pathway; plus strand). Cytogenetic location: 5q22.2.
Variant type: Deletion.
Coding change: c.3556_3557del on transcript NM_000038.6 (MANE Select); coding-DNA positions 3556 to 3557, 2 bases deleted (GA; older notation c.3556_3557delGA).
Protein change: p.Asp1186fs; shifts the reading frame from aspartic acid 1186.
Molecular consequence: frameshift variant. On other transcripts: non-coding transcript variant (2).
Genome position (GRCh38, 1-based): chr5:112,839,150-112,839,151, GA deleted; deleting any 2 consecutive bases within chr5:112,839,149-112,839,151 gives the same sequence; the c. name uses the placement nearest the transcript's 3' end. VCF-style (leftmost placement, unchanged base first): chr5-112839148-CAG-C. GRCh37 (hg19) VCF-style: chr5-112174845-CAG-C.
Other names: c.3379_3380del, p.Asp1127fs (NM_001407453.1, NM_001354901.2); c.3307_3308del, p.Asp1103fs (NM_001407454.1, NM_001407455.1, NM_001407456.1 and 1 more transcripts); c.3253_3254del, p.Asp1085fs (NM_001407458.1, NM_001407459.1, NM_001407460.1 and 1 more transcripts); c.3169_3170del, p.Asp1057fs (NM_001407467.1, NM_001407469.1); c.3556_3557del, p.Asp1186fs (NM_001127510.3, NM_001354895.2, NM_001407450.1); c.3502_3503del, p.Asp1168fs (NM_001127511.3); c.3610_3611del, p.Asp1204fs (NM_001354896.2, NM_001407447.1, NM_001407448.1 and 1 more transcripts); c.3586_3587del, p.Asp1196fs (NM_001354897.2); and 11 more; short protein forms D1026fs, D1057fs, D1060fs, D1085fs, D1095fs, D1103fs, D1127fs, D1145fs.
Identifiers: ClinVar variation 5042216 (VCV005042216.1).

ClinVar aggregate classification (germline): Pathogenic (1 of 4 stars; one submission).

Conditions:
Familial adenomatous polyposis 1 (FAP1). Also called: POLYPOSIS, ADENOMATOUS INTESTINAL; FAMILIAL ADENOMATOUS POLYPOSIS 1, ATTENUATED. Identifiers: MedGen C2713442, MONDO:0021056, OMIM 175100. Disease mechanism: loss of function.

Submission:

Myriad Genetics, Inc.
Classification: Pathogenic for Familial adenomatous polyposis 1. Last evaluated: 2026-07-21. Review status: criteria provided, single submitter. Criteria: Myriad Autosomal Dominant, Autosomal Recessive and X-Linked Classification Criteria (2023). Collection method: clinical testing. Allele origin: unknown.
Comment: This variant is considered pathogenic. This variant creates a frameshift predicted to result in premature protein truncation.